The following is an entry in ClinVar:

ClinVar aggregate classification (germline): Uncertain significance (1 of 4 stars; one submission).

Conditions:
Cardiovascular phenotype. Identifiers: MedGen CN230736.

Submission:

Ambry Genetics
Classification: Uncertain significance for Cardiovascular phenotype. Last evaluated: 2023-03-24. Review status: criteria provided, single submitter. Criteria: Ambry Variant Classification Scheme 2023. Collection method: clinical testing. Allele origin: germline.
Comment: The p.Q3606H variant (also known as c.10818G>T), located in coding exon 26 of the APOB gene, results from a G to T substitution at nucleotide position 10818. The glutamine at codon 3606 is replaced by histidine, an amino acid with highly similar properties. This amino acid position is highly conserved in available vertebrate species. In addition, the in silico prediction for this alteration is inconclusive. Since supporting evidence is limited at this time, the clinical significance of this alteration remains unclear.

NM_000384.3(APOB):c.10818G>T (p.Gln3606His)

Gene: APOB (apolipoprotein B; minus strand). Cytogenetic location: 2p24.1.
Variant type: single nucleotide variant.
Coding change: c.10818G>T on transcript NM_000384.3 (MANE Select); coding-DNA position 10818, G replaced by T.
Protein change: p.Gln3606His; replaces glutamine 3606 with histidine.
Molecular consequence: missense variant.
Genome position (GRCh38, 1-based): chr2:21,006,050, C>A on the plus strand (G>T on the coding strand, the complement: APOB is on the minus strand). VCF-style: chr2-21006050-C-A. GRCh37 (hg19) VCF-style: chr2-21228922-C-A.
Other names: short protein forms Q3606H.
Identifiers: ClinVar variation 1786482 (VCV001786482.3), dbSNP rs2465358513, ClinGen allele CA345984916.